The following is an entry in ClinVar:

ClinVar aggregate classification (germline): Pathogenic. Review status: criteria provided, single submitter (1 of 4 stars). 2 submissions from 2 submitters: Pathogenic (1). 1 of the submissions does not count toward it. Last evaluated 2022-03-31.

Conditions:
Familial long QT syndrome (RWS). Also called: Congenital long QT syndrome; Romano-Ward syndrome; VENTRICULAR FIBRILLATION WITH PROLONGED QT INTERVAL. Identifiers: Orphanet 768, MedGen C1141890, MONDO:0019171.
Long QT syndrome 2 (LQT2). Identifiers: Orphanet 101016, Orphanet 768, MedGen C3150943, MONDO:0013367, OMIM 613688.

Submissions (2):

Victorian Clinical Genetics Services, Murdoch Childrens Research Institute
Classification: Pathogenic for Long QT syndrome 2. Last evaluated: 2022-03-31. Review status: criteria provided, single submitter. Criteria: ACMG Guidelines, 2015. Collection method: clinical testing. Allele origin: germline. Inheritance: Autosomal dominant inheritance. Affected: yes.
Comment: Based on the classification scheme VCGS_Germline_v1.3.4, this variant is classified as Pathogenic. Following criteria are met: 0103 - Dominant negative and loss of function are known mechanisms of disease in this gene and are associated with long QT syndrome 2 (MIM#613688). Gain of function is also a known mechanism associated with short QT syndrome 1 (MIM#609620) (OMIM, PMIDs: 10753933, 21777565). (I) 0107 - This gene is associated with autosomal dominant disease. (I) 0112 - The condition associated with this gene has incomplete penetrance (PMID: 20301308). (I) 0200 - Variant is predicted to result in a missense amino acid change from leucine to proline. (I) 0251 - This variant is heterozygous. (I) 0301 - Variant is absent from gnomAD (both v2 and v3). (SP) 0501 - Missense variant consistently predicted to be damaging by multiple in silico tools or highly conserved with a major amino acid change. (SP) 0600 - Variant is located in the annotated PAS domain (DECIPHER). (I) 0705 - No comparable missense variants have previous evidence for pathogenicity. (I) 0802 - This variant has moderate previous evidence of pathogenicity in unrelated individuals with long QT syndrome (PMIDs: 19862833, 32253972, 32893267, 28472724). (SP) 0905 - No published segregation evidence has been identified for this variant. (I) 1002 - This variant has moderate functional evidence supporting abnormal protein function. Patch clamp and immunofluorescence studies have shown this variant causes protein mislocalisation and affects wild type protein in a dominant negative manner (PMID: 32253972). However, patch clamp assays have been shown to be unreliable, therefore results from these studies are used with caution during variant classification. (SP) 1208 - Inheritance information for this variant is not currently available in this individual. (I) Legend: (SP) - Supporting pathogenic, (I) - Information, (SB) - Supporting benign

Cardiovascular Biomedical Research Unit, Royal Brompton & Harefield NHS Foundation Trust
No classification provided. Condition: Familial long QT syndrome. Review status: no classification provided. Collection method: literature only. Allele origin: germline. Not counted in ClinVar's aggregate classification.
Comment: This variant has been reported as associated with Long QT syndrome in the following publications (PMID:19862833). This is a literature report, and does not necessarily reflect the clinical interpretation of the Imperial College / Royal Brompton Cardiovascular Genetics laboratory.

Literature cited by the submitters: PubMed 10753933 (cited by Victorian Clinical Genetics Services, Murdoch Childrens Research Institute); PubMed 19862833 (cited by Victorian Clinical Genetics Services, Murdoch Childrens Research Institute and Cardiovascular Biomedical Research Unit, Royal Brompton & Harefield NHS Foundation Trust); PubMed 20301308 (cited by Victorian Clinical Genetics Services, Murdoch Childrens Research Institute); PubMed 21777565 (cited by Victorian Clinical Genetics Services, Murdoch Childrens Research Institute); PubMed 28472724 (cited by Victorian Clinical Genetics Services, Murdoch Childrens Research Institute); PubMed 32253972 (cited by Victorian Clinical Genetics Services, Murdoch Childrens Research Institute); PubMed 32893267 (cited by Victorian Clinical Genetics Services, Murdoch Childrens Research Institute); PubMed 22581653 (cited by Cardiovascular Biomedical Research Unit, Royal Brompton & Harefield NHS Foundation Trust).

NM_000238.4(KCNH2):c.206T>C (p.Leu69Pro)

Gene: KCNH2 (potassium voltage-gated channel subfamily H member 2; minus strand). Cytogenetic location: 7q36.1.
Variant type: single nucleotide variant.
Coding change: c.206T>C on transcript NM_000238.4 (MANE Select); coding-DNA position 206, T replaced by C.
Protein change: p.Leu69Pro; replaces leucine 69 with proline.
Molecular consequence: missense variant.
Genome position (GRCh38, 1-based): chr7:150,974,812, A>G on the plus strand (T>C on the coding strand, the complement: KCNH2 is on the minus strand). VCF-style: chr7-150974812-A-G. GRCh37 (hg19) VCF-style: chr7-150671900-A-G.
Other names: c.206T>C (LRG_288t1); c.29T>C, p.Leu10Pro (NM_001406755.1); c.206T>C, p.Leu69Pro (NM_172056.3); short protein forms L69P, L10P.
Identifiers: ClinVar variation 67358 (VCV000067358.4), dbSNP rs199473665, ClinGen allele CA006187.